The following is an entry in ClinVar:

ClinVar aggregate classification (germline): Uncertain significance (1 of 4 stars; one submission).

Conditions:
Joubert syndrome. Also called: CEREBELLOPARENCHYMAL DISORDER IV; JOUBERT-BOLTSHAUSER SYNDROME; Familial aplasia of the vermis. Identifiers: Orphanet 475, MedGen C5979921, MONDO:0018772.

Allele frequency attached by ClinVar (database versions not stated): gnomAD exomes below 0.00001; ExAC 0.00001.

Submission:

Labcorp Genetics (formerly Invitae), Labcorp
Classification: Uncertain significance for Joubert syndrome. Last evaluated: 2025-07-14. Review status: criteria provided, single submitter. Criteria: Invitae Variant Classification Sherloc (09022015). Collection method: clinical testing. Allele origin: germline.
Comment: This sequence change replaces phenylalanine, which is neutral and non-polar, with cysteine, which is neutral and slightly polar, at codon 478 of the INPP5E protein (p.Phe478Cys). This variant is present in population databases (rs766669439, gnomAD 0.006%). This variant has not been reported in the literature in individuals affected with INPP5E-related conditions. ClinVar contains an entry for this variant (Variation ID: 1998637). Invitae Evidence Modeling of protein sequence and biophysical properties (such as structural, functional, and spatial information, amino acid conservation, physicochemical variation, residue mobility, and thermodynamic stability) indicates that this missense variant is expected to disrupt INPP5E protein function with a positive predictive value of 95%. In summary, the available evidence is currently insufficient to determine the role of this variant in disease. Therefore, it has been classified as a Variant of Uncertain Significance.

NM_019892.6(INPP5E):c.1433T>G (p.Phe478Cys)

Gene: INPP5E (inositol polyphosphate-5-phosphatase E; minus strand). Cytogenetic location: 9q34.3.
Variant type: single nucleotide variant.
Coding change: c.1433T>G on transcript NM_019892.6 (MANE Select); coding-DNA position 1433, T replaced by G.
Protein change: p.Phe478Cys; replaces phenylalanine 478 with cysteine.
Molecular consequence: missense variant.
Genome position (GRCh38, 1-based): chr9:136,431,940, A>C on the plus strand (T>G on the coding strand, the complement: INPP5E is on the minus strand). VCF-style: chr9-136431940-A-C. GRCh37 (hg19) VCF-style: chr9-139326392-A-C.
Other names: c.1430T>G, p.Phe477Cys (NM_001318502.2); short protein forms F477C, F478C.
Identifiers: ClinVar variation 1998637 (VCV001998637.4), dbSNP rs766669439, ClinGen allele CA5336796.